The following is an entry in ClinVar:

NM_173630.4(RTTN):c.635A>C (p.Asp212Ala)

Gene: RTTN (rotatin; minus strand). Cytogenetic location: 18q22.2.
Variant type: single nucleotide variant.
Coding change: c.635A>C on transcript NM_173630.4 (MANE Select); coding-DNA position 635, A replaced by C.
Protein change: p.Asp212Ala; replaces aspartic acid 212 with alanine.
Molecular consequence: missense variant. On other transcripts: 5 prime UTR variant (1).
Genome position (GRCh38, 1-based): chr18:70,197,682, T>G on the plus strand (A>C on the coding strand, the complement: RTTN is on the minus strand). VCF-style: chr18-70197682-T-G. GRCh37 (hg19) VCF-style: chr18-67864918-T-G.
Other names: c.-1919A>C (NM_001318520.2); short protein forms D212A.
Identifiers: ClinVar variation 130193 (VCV000130193.55), dbSNP rs12956068, ClinGen allele CA155026.

ClinVar aggregate classification (germline): Likely benign. Review status: criteria provided, multiple submitters, no conflicts (2 of 4 stars). 7 submissions from 7 submitters: Likely benign (6). 1 of the submissions does not count toward it. Last evaluated 2026-09-01.

Conditions:
RTTN-related disorder. Also called: RTTN-related condition.

Allele frequency attached by ClinVar (database versions not stated): 1000 Genomes Project 0.00120; gnomAD exomes 0.00299; TOPMed 0.00306; gnomAD 0.00322 and 0.00334; ExAC 0.00325; ESP Exome Variant Server 0.00330; 1000 Genomes Project 30x 0.00109.
gnomAD v4.1: 6,176 of 1,613,940 alleles (0.38%); highest among the groups gnomAD compares: Non-Finnish European, 0.45%; 23 homozygotes.

Submissions (7):

CeGaT Center for Human Genetics Tuebingen
Classification: Likely benign. Last evaluated: 2026-09-01. Review status: criteria provided, single submitter. Criteria: CeGaT Center For Human Genetics Tuebingen Variant Classification Criteria Version 2. Collection method: clinical testing. Allele origin: germline. Affected: yes. Observed: 12 variant alleles.
Comment: RTTN: BS2

Labcorp Genetics (formerly Invitae), Labcorp
Classification: Likely benign. Last evaluated: 2026-01-26. Review status: criteria provided, single submitter. Criteria: Invitae Variant Classification Sherloc (09022015). Collection method: clinical testing. Allele origin: germline.

Blueprint Genetics
Classification: Likely benign. Last evaluated: 2024-11-21. Review status: criteria provided, single submitter. Criteria: ACMG Guidelines, 2015. Collection method: clinical testing. Allele origin: germline.

GeneDx
Classification: Likely benign. Last evaluated: 2019-12-26. Review status: criteria provided, single submitter. Criteria: GeneDx Variant Classification Process June 2021. Collection method: clinical testing. Allele origin: germline. Affected: yes.

Eurofins Ntd Llc (ga)
Classification: Likely benign. Last evaluated: 2015-08-04. Review status: criteria provided, single submitter. Criteria: EGL Classification Definitions 2015. Collection method: clinical testing. Allele origin: germline. Observed: 2 variant alleles, 2 heterozygotes.

Genetic Services Laboratory, University of Chicago
Classification: Likely benign. Last evaluated: 2015-07-28. Review status: criteria provided, single submitter. Criteria: ACMG Guidelines, 2015. Collection method: clinical testing. Allele origin: germline.

PreventionGenetics, part of Exact Sciences
Classification: Likely benign for RTTN-related condition. Last evaluated: 2019-07-09. Review status: no assertion criteria provided. Collection method: clinical testing. Allele origin: germline. Not counted in ClinVar's aggregate classification.
Comment: This variant is classified as likely benign based on ACMG/AMP sequence variant interpretation guidelines (Richards et al. 2015 PMID: 25741868, with internal and published modifications).